The following is an entry in ClinVar:

ClinVar aggregate classification (germline): Uncertain significance. Review status: criteria provided, multiple submitters, no conflicts (2 of 4 stars). 3 submissions from 3 submitters: Uncertain significance (3). Last evaluated 2022-08-26.

Conditions:
Inborn genetic diseases. Identifiers: MedGen C0950123, MeSH D030342.
Lissencephaly 4 (LIS4). Also called: Lissencephaly 4 (with microcephaly). Identifiers: Orphanet 1083, MedGen C3151461, MONDO:0013527, OMIM 614019.

Allele frequency attached by ClinVar (database versions not stated): TOPMed 0.00002; ESP Exome Variant Server 0.00015.
gnomAD v4.1: 30 of 1,613,746 alleles (0.0019%); highest among the groups gnomAD compares: Admixed American, 0.01%; no homozygotes.

Submissions (3):

Ambry Genetics
Classification: Uncertain significance for Inborn genetic diseases. Last evaluated: 2022-08-26. Review status: criteria provided, single submitter. Criteria: Ambry Variant Classification Scheme 2023. Collection method: clinical testing. Allele origin: germline.

Labcorp Genetics (formerly Invitae), Labcorp
Classification: Uncertain significance. Last evaluated: 2022-08-23. Review status: criteria provided, single submitter. Criteria: Invitae Variant Classification Sherloc (09022015). Collection method: clinical testing. Allele origin: germline.
Comment: This variant has not been reported in the literature in individuals affected with NDE1-related conditions. In summary, the available evidence is currently insufficient to determine the role of this variant in disease. Therefore, it has been classified as a Variant of Uncertain Significance. Algorithms developed to predict the effect of missense changes on protein structure and function are either unavailable or do not agree on the potential impact of this missense change (SIFT: "Tolerated"; PolyPhen-2: "Probably Damaging"; Align-GVGD: "Class C0"). This variant is present in population databases (rs369596410, gnomAD 0.01%). This sequence change replaces aspartic acid, which is acidic and polar, with glutamic acid, which is acidic and polar, at codon 259 of the NDE1 protein (p.Asp259Glu).

Victorian Clinical Genetics Services, Murdoch Childrens Research Institute
Classification: Uncertain significance for Lissencephaly 4. Last evaluated: 2020-06-11. Review status: criteria provided, single submitter. Criteria: ACMG Guidelines, 2015. Collection method: clinical testing. Allele origin: germline. Inheritance: Autosomal recessive inheritance. Affected: yes.
Comment: Based on the classification scheme VCGS_Germline_v1.1.1, this variant is classified as VUS – 3B. Following criteria are met: 0102 - Loss-of-function is a known mechanism of disease for this gene. (N) 0106 - This gene is known to be associated with autosomal recessive disease. (N) 0200 - Variant is predicted to result in a missense amino acid change from aspartic acid to glutamic acid. This variant is in exon 7 in the NDE1 gene. (N) 0251 - Variant is heterozygous. (N) 0304 - Variant is present in gnomAD <0.01 for a recessive condition (10 heterozygotes, 0 homozygotes). (P) 0502 - Missense variant with conflicting in silico predictions and/or uninformative conservation. (N) 0600 - Variant is located in an annotated domain or motif (NUDE_C domain; NCBI, PDB). (N) 0705 - No comparable variants have previous evidence for pathogenicity. (N) 0807 - Variant has not previously been reported in a clinical context. (N) 0905 - No segregation evidence has been identified for this variant in the literature. (N) 1007 - No published functional evidence has been identified for this variant. (N) 1208 - Inheritance information for this variant is not currently available. (N) Legend: (P) - Pathogenic, (N) - Neutral, (B) - Benign

NM_017668.3(NDE1):c.777C>G (p.Asp259Glu)

Gene: NDE1 (nudE neurodevelopment protein 1; plus strand). Cytogenetic location: 16p13.11.
Variant type: single nucleotide variant.
Coding change: c.777C>G on transcript NM_017668.3 (MANE Select); coding-DNA position 777, C replaced by G.
Protein change: p.Asp259Glu; replaces aspartic acid 259 with glutamic acid.
Molecular consequence: missense variant.
Genome position (GRCh38, 1-based): chr16:15,694,238, C>G. VCF-style: chr16-15694238-C-G. GRCh37 (hg19) VCF-style: chr16-15788095-C-G.
Other names: c.777C>G, p.Asp259Glu (NM_001143979.2); c.777C>G (NM_001143979.1); short protein forms D259E.
Identifiers: ClinVar variation 1805529 (VCV001805529.6), dbSNP rs369596410, ClinGen allele CA7920800.